The following is an entry in ClinVar:

ClinVar aggregate classification (germline): Uncertain significance (1 of 4 stars; one submission).

gnomAD v4.1: 6 of 1,613,790 alleles (0.00037%); highest among the groups gnomAD compares: Non-Finnish European, 0.00051%; no homozygotes.

Submission:

GeneDx
Classification: Uncertain significance. Last evaluated: 2024-07-01. Review status: criteria provided, single submitter. Criteria: GeneDx Variant Classification Process June 2021. Collection method: clinical testing. Allele origin: germline. Affected: yes.
Comment: Not observed at significant frequency in large population cohorts (gnomAD); In silico analysis supports that this missense variant has a deleterious effect on protein structure/function; Has not been previously published as pathogenic or benign to our knowledge

NM_002230.4(JUP):c.1919G>A (p.Gly640Asp)

Gene: JUP (junction plakoglobin; minus strand). Cytogenetic location: 17q21.2.
Variant type: single nucleotide variant.
Coding change: c.1919G>A on transcript NM_002230.4 (MANE Select); coding-DNA position 1919, G replaced by A.
Protein change: p.Gly640Asp; replaces glycine 640 with aspartic acid.
Molecular consequence: missense variant.
Genome position (GRCh38, 1-based): chr17:41,757,639, C>T on the plus strand (G>A on the coding strand, the complement: JUP is on the minus strand). VCF-style: chr17-41757639-C-T. GRCh37 (hg19) VCF-style: chr17-39913891-C-T.
Other names: c.1919G>A, p.Gly640Asp (NM_001352773.2, NM_001352774.2, NM_001352775.2 and 3 more transcripts); short protein forms G640D.
Identifiers: ClinVar variation 3393756 (VCV003393756.1).